The following is an entry in ClinVar:

NM_001370259.2(MEN1):c.75C>A (p.Ala25=)

Gene: MEN1 (menin 1; minus strand). Cytogenetic location: 11q13.1.
Variant type: single nucleotide variant.
Coding change: c.75C>A on transcript NM_001370259.2 (MANE Select); coding-DNA position 75, C replaced by A.
Protein change: p.Ala25=; no amino-acid change (alanine 25 retained).
Molecular consequence: synonymous variant. On other transcripts: non-coding transcript variant (4).
Genome position (GRCh38, 1-based): chr11:64,810,035, G>T on the plus strand (C>A on the coding strand, the complement: MEN1 is on the minus strand). VCF-style: chr11-64810035-G-T. GRCh37 (hg19) VCF-style: chr11-64577507-G-T.
Other names: c.75C>A, p.Ala25= (NM_001370263.2, NM_001407142.1, NM_001407143.1 and 20 more transcripts).
Identifiers: ClinVar variation 3009029 (VCV003009029.5), dbSNP rs1399788808, ClinGen allele CA475163130.

ClinVar aggregate classification (germline): Conflicting classifications of pathogenicity. Review status: criteria provided, conflicting classifications (1 of 4 stars). 3 submissions from 3 submitters: Uncertain significance (1); Benign (1); Likely benign (1). Last evaluated 2025-12-09.

Conditions:
Hereditary cancer-predisposing syndrome. Also called: Hereditary neoplastic syndrome; Hereditary Cancer Syndrome; Neoplastic Syndromes, Hereditary; Tumor predisposition. Identifiers: Orphanet 140162, MedGen C0027672, MeSH D009386, MONDO:0015356.
Multiple endocrine neoplasia, type 1 (MEN1). Also called: MEN I; WERMER SYNDROME; Endocrine adenomatosis multiple; MEN 1; MEA I. Identifiers: Orphanet 652, MedGen C0025267, MeSH D018761, MONDO:0007540, OMIM 131100.

Submissions (3):

Labcorp Genetics (formerly Invitae), Labcorp
Classification: Likely benign for Multiple endocrine neoplasia, type 1. Last evaluated: 2025-12-09. Review status: criteria provided, single submitter. Criteria: Invitae Variant Classification Sherloc (09022015). Collection method: clinical testing. Allele origin: germline.

Ambry Genetics
Classification: Uncertain significance for Hereditary cancer-predisposing syndrome. Last evaluated: 2024-12-19. Review status: criteria provided, single submitter. Criteria: Ambry Variant Classification Scheme 2023. Collection method: clinical testing. Allele origin: germline.
Comment: The c.75C>A variant (also known as p.A25A), located in coding exon 1 of the MEN1 gene, results from a C to A substitution at nucleotide position 75. This nucleotide substitution does not change the amino acid at codon 25. This nucleotide position is not well conserved in available vertebrate species. In silico splice site analysis for this alteration is inconclusive. Based on the available evidence, the clinical significance of this variant remains unclear.

Myriad Genetics, Inc.
Classification: Benign for Multiple endocrine neoplasia, type 1. Last evaluated: 2024-10-31. Review status: criteria provided, single submitter. Criteria: Myriad Autosomal Dominant, Autosomal Recessive and X-Linked Classification Criteria (2023). Collection method: clinical testing. Allele origin: unknown.
Comment: This variant is considered benign. This variant is a silent/synonymous amino acid change and it is not expected to impact splicing.